The following is an entry in ClinVar:

NM_001286445.3(RIPOR2):c.2511T>A (p.Phe837Leu)

Gene: RIPOR2 (RHO family interacting cell polarization regulator 2; minus strand). Cytogenetic location: 6p22.3.
Variant type: single nucleotide variant.
Coding change: c.2511T>A on transcript NM_001286445.3 (MANE Select); coding-DNA position 2511, T replaced by A.
Protein change: p.Phe837Leu; replaces phenylalanine 837 with leucine.
Molecular consequence: missense variant.
Genome position (GRCh38, 1-based): chr6:24,828,291, A>T on the plus strand (T>A on the coding strand, the complement: RIPOR2 is on the minus strand). VCF-style: chr6-24828291-A-T. GRCh37 (hg19) VCF-style: chr6-24828519-A-T.
Other names: c.2424T>A, p.Phe808Leu (NM_001346031.2, NM_001346032.2); c.2574T>A, p.Phe858Leu (NM_014722.5); short protein forms F837L, F858L, F808L.
Identifiers: ClinVar variation 3001680 (VCV003001680.3), dbSNP rs1435644230, ClinGen allele CA362989424.
Genomic context (GRCh38, chr6:24,828,291, plus strand): 5'-GGACAGGCTGGAGGAAAGCAGAGGCTCAGCCCGGTCCAGAATTTGGGACACCAGGGTTCG[A>T]AACACTATTCGGAAGGGAAAGACACAAAGCAGCTTTAGATAGATGACCATTCATTCATTC-3'
Protein context (NP_001273374.1, residues 827-847): KEYPGLADPV[Phe837Leu]RTLVSQILDR

ClinVar aggregate classification (germline): Uncertain significance (1 of 4 stars; one submission).

Allele frequency attached by ClinVar (database versions not stated): gnomAD exomes 0.00001.
gnomAD v4.1: 7 of 1,545,800 alleles (0.00045%); highest among the groups gnomAD compares: Non-Finnish European, 0.00061%; no homozygotes.

Submission:

Labcorp Genetics (formerly Invitae), Labcorp
Classification: Uncertain significance. Last evaluated: 2024-02-20. Review status: criteria provided, single submitter. Criteria: Invitae Variant Classification Sherloc (09022015). Collection method: clinical testing. Allele origin: germline.
Comment: This sequence change replaces phenylalanine, which is neutral and non-polar, with leucine, which is neutral and non-polar, at codon 858 of the FAM65B protein (p.Phe858Leu). This variant is present in population databases (no rsID available, gnomAD 0.004%). This variant has not been reported in the literature in individuals affected with FAM65B-related conditions. An algorithm developed to predict the effect of missense changes on protein structure and function (PolyPhen-2) suggests that this variant is likely to be disruptive. In summary, the available evidence is currently insufficient to determine the role of this variant in disease. Therefore, it has been classified as a Variant of Uncertain Significance.